The following is an entry in ClinVar:

NM_000071.3(CBS):c.1040G>C (p.Gly347Ala)

Gene: CBS (cystathionine beta-synthase; minus strand). Cytogenetic location: 21q22.3.
Variant type: single nucleotide variant.
Coding change: c.1040G>C on transcript NM_000071.3 (MANE Select); coding-DNA position 1040, G replaced by C.
Protein change: p.Gly347Ala; replaces glycine 347 with alanine.
Molecular consequence: missense variant.
Genome position (GRCh38, 1-based): chr21:43,060,546, C>G on the plus strand (G>C on the coding strand, the complement: CBS is on the minus strand). VCF-style: chr21-43060546-C-G. GRCh37 (hg19) VCF-style: chr21-44480656-C-G.
Other names: c.1040G>C, p.Gly347Ala (NM_001178008.3, NM_001178009.3, NM_001320298.2); c.725G>C, p.Gly242Ala (NM_001321072.1); short protein forms G347A, G242A.
Identifiers: ClinVar variation 2164993 (VCV002164993.1), dbSNP rs2517413106, ClinGen allele CA410398287.

ClinVar aggregate classification (germline): Uncertain significance (1 of 4 stars; one submission).

Conditions:
HYPERHOMOCYSTEINEMIA, THROMBOTIC, CBS-RELATED. Identifiers: MedGen C3150344, OMIM 236200.

Submission:

Labcorp Genetics (formerly Invitae), Labcorp
Classification: Uncertain significance for HYPERHOMOCYSTEINEMIA, THROMBOTIC, CBS-RELATED. Last evaluated: 2021-09-02. Review status: criteria provided, single submitter. Criteria: Invitae Variant Classification Sherloc (09022015). Collection method: clinical testing. Allele origin: germline.
Comment: This sequence change replaces glycine with alanine at codon 347 of the CBS protein (p.Gly347Ala). The glycine residue is highly conserved and there is a small physicochemical difference between glycine and alanine. This variant is not present in population databases (ExAC no frequency). This variant has not been reported in the literature in individuals affected with CBS-related conditions. Algorithms developed to predict the effect of missense changes on protein structure and function are either unavailable or do not agree on the potential impact of this missense change (SIFT: "Deleterious"; PolyPhen-2: "Probably Damaging"; Align-GVGD: "Class C0"). This variant disrupts the p.Gly347 amino acid residue in CBS. Other variant(s) that disrupt this residue have been determined to be pathogenic (PMID: 12124992, 22267502, 30202406). This suggests that this residue is clinically significant, and that variants that disrupt this residue are likely to be disease-causing. In summary, the available evidence is currently insufficient to determine the role of this variant in disease. Therefore, it has been classified as a Variant of Uncertain Significance.

Literature cited by the submitters: PubMed 12124992; PubMed 22267502; PubMed 30202406.